The following is an entry in ClinVar:

NM_001376.5(DYNC1H1):c.2283A>G (p.Pro761=)

Gene: DYNC1H1 (dynein cytoplasmic 1 heavy chain 1; plus strand). Cytogenetic location: 14q32.31.
Variant type: single nucleotide variant.
Coding change: c.2283A>G on transcript NM_001376.5 (MANE Select); coding-DNA position 2283, A replaced by G.
Protein change: p.Pro761=; no amino-acid change (proline 761 retained).
Molecular consequence: synonymous variant.
Genome position (GRCh38, 1-based): chr14:101,986,508, A>G. VCF-style: chr14-101986508-A-G. GRCh37 (hg19) VCF-style: chr14-102452845-A-G.
Identifiers: ClinVar variation 387585 (VCV000387585.15), dbSNP rs202008601, ClinGen allele CA7351793.
Genomic context (GRCh38, chr14:101,986,508, plus strand): 5'-TGAGATTATCACACTATCCAAAGAAGTCCGGAACCTCAAATGGCTTGGTTTCCGCGTCCC[A>G]CTGGCGATTGTGAACAAAGCCCATCAAGCAAACCAGCTTTACCCGTTTGCCATCTCACTG-3'
Protein context (NP_001367.2, residues 751-771): RNLKWLGFRV[Pro761=]LAIVNKAHQA

ClinVar aggregate classification (germline): Benign/Likely benign. Review status: criteria provided, multiple submitters, no conflicts (2 of 4 stars). 5 submissions from 5 submitters: Benign (2); Likely benign (2). 1 of the submissions does not count toward it. Last evaluated 2025-11-17.

Conditions:
DYNC1H1-related disorder. Also called: DYNC1H1-related condition; DYNC1H1-related disorders. Identifiers: MedGen CN381529.
Charcot-Marie-Tooth disease axonal type 2O. Also called: Charcot-Marie-Tooth Neuropathy Type 2O; CHARCOT-MARIE-TOOTH NEUROPATHY, AXONAL, TYPE 2O; CHARCOT-MARIE-TOOTH DISEASE, AXONAL, AUTOSOMAL DOMINANT, TYPE 2O; Charcot-Marie-Tooth disease, axonal, type 20. Identifiers: Orphanet 284232, MedGen C3280220, MONDO:0013644, OMIM 614228.
Inborn genetic diseases. Identifiers: MedGen C0950123, MeSH D030342.

Allele frequency attached by ClinVar (database versions not stated): gnomAD exomes 0.00005 and 0.00022; gnomAD 0.00007 and 0.00009; TOPMed 0.00011; 1000 Genomes Project 0.00020; ExAC 0.00020; 1000 Genomes Project 30x 0.00031.
gnomAD v4.1: 87 of 1,614,194 alleles (0.0054%); highest among the groups gnomAD compares: East Asian, 0.16%; 1 homozygote.

Submissions (5):

Labcorp Genetics (formerly Invitae), Labcorp
Classification: Benign for Charcot-Marie-Tooth disease axonal type 2O. Last evaluated: 2025-11-17. Review status: criteria provided, single submitter. Criteria: Invitae Variant Classification Sherloc (09022015). Collection method: clinical testing. Allele origin: germline.

Blueprint Genetics
Classification: Likely benign. Last evaluated: 2023-08-28. Review status: criteria provided, single submitter. Criteria: ACMG Guidelines, 2015. Collection method: clinical testing. Allele origin: germline.

Ambry Genetics
Classification: Benign for Inborn genetic diseases. Last evaluated: 2018-12-20. Review status: criteria provided, single submitter. Criteria: Ambry Variant Classification Scheme 2023. Collection method: clinical testing. Allele origin: germline.

GeneDx
Classification: Likely benign. Last evaluated: 2016-08-01. Review status: criteria provided, single submitter. Criteria: GeneDx Variant Classification (06012015). Collection method: clinical testing. Allele origin: germline. Affected: yes.
Comment: This variant is considered likely benign or benign based on one or more of the following criteria: it is a conservative change, it occurs at a poorly conserved position in the protein, it is predicted to be benign by multiple in silico algorithms, and/or has population frequency not consistent with disease.

PreventionGenetics, part of Exact Sciences
Classification: Likely benign for DYNC1H1-related condition. Last evaluated: 2020-05-29. Review status: no assertion criteria provided. Collection method: clinical testing. Allele origin: germline. Not counted in ClinVar's aggregate classification.
Comment: This variant is classified as likely benign based on ACMG/AMP sequence variant interpretation guidelines (Richards et al. 2015 PMID: 25741868, with internal and published modifications).